The following is an entry in ClinVar:

ClinVar aggregate classification (germline): Uncertain significance (1 of 4 stars; one submission).

gnomAD v4.1: 3 of 1,611,670 alleles (0.00019%); highest among the groups gnomAD compares: Non-Finnish European, 0.000085%; no homozygotes.

Submission:

Labcorp Genetics (formerly Invitae), Labcorp
Classification: Uncertain significance. Last evaluated: 2025-05-28. Review status: criteria provided, single submitter. Criteria: Invitae Variant Classification Sherloc (09022015). Collection method: clinical testing. Allele origin: germline.
Comment: This sequence change affects codon 978 of the SLC12A6 mRNA. It is a 'silent' change, meaning that it does not change the encoded amino acid sequence of the SLC12A6 protein. This variant also falls at the last nucleotide of exon 21, which is part of the consensus splice site for this exon. This variant is present in population databases (rs755298290, gnomAD 0.02%). This variant has not been reported in the literature in individuals affected with SLC12A6-related conditions. An algorithm developed to predict the effect of missense changes on protein structure and function (PolyPhen-2) suggests that this variant is likely to be disruptive. Variants that disrupt the consensus splice site are a relatively common cause of aberrant splicing (PMID: 17576681, 9536098). Algorithms developed to predict the effect of sequence changes on RNA splicing suggest that this variant may disrupt the consensus splice site. In summary, the available evidence is currently insufficient to determine the role of this variant in disease. Therefore, it has been classified as a Variant of Uncertain Significance.

Literature cited by the submitters: PubMed 17576681; PubMed 9536098.

NM_001365088.1(SLC12A6):c.2934G>A (p.Met978Ile)

Gene: SLC12A6 (solute carrier family 12 member 6; minus strand). Cytogenetic location: 15q14.
Variant type: single nucleotide variant.
Coding change: c.2934G>A on transcript NM_001365088.1 (MANE Select); coding-DNA position 2934, G replaced by A.
Protein change: p.Met978Ile; replaces methionine 978 with isoleucine.
Molecular consequence: missense variant.
Genome position (GRCh38, 1-based): chr15:34,237,419, C>T on the plus strand (G>A on the coding strand, the complement: SLC12A6 is on the minus strand). VCF-style: chr15-34237419-C-T. GRCh37 (hg19) VCF-style: chr15-34529620-C-T.
Other names: c.2757G>A, p.Met919Ile (NM_001042494.2, NM_001042495.2); c.2907G>A, p.Met969Ile (NM_001042496.2); c.2889G>A, p.Met963Ile (NM_001042497.2); c.2781G>A, p.Met927Ile (NM_005135.2); c.2934G>A, p.Met978Ile (NM_133647.2); short protein forms M919I, M963I, M978I, M927I, M969I.
Identifiers: ClinVar variation 4755147 (VCV004755147.1).